The following is an entry in ClinVar:

NM_004370.6(COL12A1):c.9144G>C (p.Gln3048His)

Gene: COL12A1 (collagen type XII alpha 1 chain; minus strand). Cytogenetic location: 6q13.
Variant type: single nucleotide variant.
Coding change: c.9144G>C on transcript NM_004370.6 (MANE Select); coding-DNA position 9144, G replaced by C.
Protein change: p.Gln3048His; replaces glutamine 3048 with histidine.
Molecular consequence: missense variant.
Genome position (GRCh38, 1-based): chr6:75,087,614, C>G on the plus strand (G>C on the coding strand, the complement: COL12A1 is on the minus strand). VCF-style: chr6-75087614-C-G. GRCh37 (hg19) VCF-style: chr6-75797330-C-G.
Other names: c.5652G>C, p.Gln1884His (NM_080645.3); short protein forms Q1884H, Q3048H.
Identifiers: ClinVar variation 969933 (VCV000969933.13), dbSNP rs57396313, ClinGen allele CA3892013.

ClinVar aggregate classification (germline): Conflicting classifications of pathogenicity. Review status: criteria provided, conflicting classifications (1 of 4 stars). 3 submissions from 3 submitters: Uncertain significance (2); Likely benign (1). Last evaluated 2026-04-15.

Conditions:
Ullrich congenital muscular dystrophy 2 (UCMD2). Identifiers: Orphanet 75840, MedGen C4225314, MONDO:0014654, OMIM 616470.
Bethlem myopathy 2 (BTHLM2). Identifiers: Orphanet 536516, Orphanet 610, MedGen C4225313, MONDO:0034022, OMIM 616471.

Allele frequency attached by ClinVar (database versions not stated): ExAC 0.00002; 1000 Genomes Project 30x 0.00078; gnomAD exomes 0.00002; ESP Exome Variant Server 0.00008; TOPMed 0.00018; gnomAD 0.00014; 1000 Genomes Project 0.00020.
gnomAD v4.1: 45 of 1,613,886 alleles (0.0028%); highest among the groups gnomAD compares: African/African-American, 0.057%; no homozygotes.

Submissions (3):

Women's Health and Genetics/Laboratory Corporation of America, LabCorp
Classification: Uncertain significance. Last evaluated: 2026-04-15. Review status: criteria provided, single submitter. Criteria: LabCorp Variant Classification Summary - May 2015. Collection method: clinical testing. Allele origin: germline.

GeneDx
Classification: Uncertain significance. Last evaluated: 2025-12-27. Review status: criteria provided, single submitter. Criteria: GeneDx Variant Classification Process June 2021. Collection method: clinical testing. Allele origin: germline.
Comment: Has not been previously published as pathogenic or benign to our knowledge; In silico analysis suggests that this missense variant does not alter protein structure/function

Labcorp Genetics (formerly Invitae), Labcorp
Classification: Likely benign for Bethlem myopathy 2; Ullrich congenital muscular dystrophy 2. Last evaluated: 2024-06-19. Review status: criteria provided, single submitter. Criteria: Invitae Variant Classification Sherloc (09022015). Collection method: clinical testing. Allele origin: germline.